The following is an entry in ClinVar:

ClinVar aggregate classification (germline): Uncertain significance (1 of 4 stars; one submission).

Conditions:
Hereditary cancer-predisposing syndrome. Also called: Neoplastic Syndromes, Hereditary; Tumor predisposition; Hereditary Cancer Syndrome; Hereditary neoplastic syndrome. Identifiers: Orphanet 140162, MedGen C0027672, MeSH D009386, MONDO:0015356.

Submission:

Ambry Genetics
Classification: Uncertain significance for Hereditary cancer-predisposing syndrome. Last evaluated: 2026-03-20. Review status: criteria provided, single submitter. Criteria: Ambry Variant Classification Scheme 2023. Collection method: clinical testing. Allele origin: germline.
Comment: The c.2792_2793dupTT variant, located in coding exon 24 of the POLE gene, results from a duplication of TT at nucleotide positions 2792 to 2793, causing a translational frameshift with a predicted alternate stop codon (p.E932Lfs*10). This alteration is expected to result in loss of function by premature protein truncation or nonsense-mediated mRNA decay. Although biallelic loss of function of POLE has been associated with autosomal recessive POLE deficiency, haploinsufficiency of POLE has not been established as a mechanism of disease for POLE-related polymerase proofreading-associated polyposis (PPAP) and POLE-related CMMRD-like syndrome. Based on the supporting evidence, this variant is expected to be causative of POLE deficiency when present along with a second pathogenic variant on the other allele; however, its clinical significance for PPAP and POLE-related CMMRD-like syndrome is unclear.

NM_006231.4(POLE):c.2792_2793dup (p.Glu932fs)

Gene: POLE (DNA polymerase epsilon, catalytic subunit; minus strand). Cytogenetic location: 12q24.33.
Variant type: Duplication.
Coding change: c.2792_2793dup on transcript NM_006231.4 (MANE Select); coding-DNA positions 2792 to 2793, 2 bases duplicated (TT; older notation c.2792_2793dupTT).
Protein change: p.Glu932fs; shifts the reading frame from glutamic acid 932.
Molecular consequence: frameshift variant.
Genome position (GRCh38, 1-based): chr12:132,661,598-132,661,599, AA duplicated on the plus strand (TT on the coding strand, the reverse complement: POLE is on the minus strand); duplicating any 2 consecutive bases within chr12:132,661,598-132,661,603 gives the same sequence; the c. name uses the placement nearest the transcript's 3' end. VCF-style (leftmost placement, unchanged base first): chr12-132661597-C-CAA. GRCh37 (hg19) VCF-style: chr12-133238183-C-CAA.
Other names: short protein forms E932fs.
Identifiers: ClinVar variation 4862239 (VCV004862239.1).